The following is an entry in ClinVar:

ClinVar aggregate classification (germline): Uncertain significance (1 of 4 stars; one submission).

Conditions:
Erythrocytosis, familial, 3 (ECYT3). Identifiers: Orphanet 247511, MedGen C1853286, MONDO:0012353, OMIM 609820.

Allele frequency attached by ClinVar (database versions not stated): gnomAD exomes below 0.00001 and 0.00001; ExAC 0.00001.
gnomAD v4.1: 4 of 1,614,022 alleles (0.00025%); highest among the groups gnomAD compares: South Asian, 0.0044%; no homozygotes.

Submission:

Labcorp Genetics (formerly Invitae), Labcorp
Classification: Uncertain significance for Erythrocytosis, familial, 3. Last evaluated: 2020-08-25. Review status: criteria provided, single submitter. Criteria: Invitae Variant Classification Sherloc (09022015). Collection method: clinical testing. Allele origin: germline.
Comment: In summary, the available evidence is currently insufficient to determine the role of this variant in disease. Therefore, it has been classified as a Variant of Uncertain Significance. This sequence change replaces valine with isoleucine at codon 401 of the EGLN1 protein (p.Val401Ile). The valine residue is moderately conserved and there is a small physicochemical difference between valine and isoleucine. This variant is present in population databases (rs771491532, ExAC 0.006%). This variant has not been reported in the literature in individuals with EGLN1-related conditions. Algorithms developed to predict the effect of missense changes on protein structure and function (SIFT, PolyPhen-2, Align-GVGD) all suggest that this variant is likely to be tolerated, but these predictions have not been confirmed by published functional studies and their clinical significance is uncertain.

NM_022051.3(EGLN1):c.1201G>A (p.Val401Ile)

Gene: EGLN1 (egl-9 family hypoxia inducible factor 1; minus strand). Cytogenetic location: 1q42.2.
Variant type: single nucleotide variant.
Coding change: c.1201G>A on transcript NM_022051.3 (MANE Select); coding-DNA position 1201, G replaced by A.
Protein change: p.Val401Ile; replaces valine 401 with isoleucine.
Molecular consequence: missense variant. On other transcripts: 3 prime UTR variant (1), intron variant (1).
Genome position (GRCh38, 1-based): chr1:231,367,584, C>T on the plus strand (G>A on the coding strand, the complement: EGLN1 is on the minus strand). VCF-style: chr1-231367584-C-T. GRCh37 (hg19) VCF-style: chr1-231503330-C-T.
Other names: c.*26G>A (NM_001377261.1); c.1149-1109G>A (NM_001377260.1); short protein forms V401I.
Identifiers: ClinVar variation 1010290 (VCV001010290.5), dbSNP rs771491532, ClinGen allele CA1453002.